The following is an entry in ClinVar:

ClinVar aggregate classification (germline): Uncertain significance (1 of 4 stars; one submission).

Conditions:
Muscular dystrophy-dystroglycanopathy (congenital with impaired intellectual development), type B, 1. Also called: MUSCULAR DYSTROPHY, CONGENITAL, POMT1-RELATED; Muscular dystrophy-dystroglycanopathy (congenital with intellectual disability), type B1. Identifiers: MedGen C5436962, MONDO:0013159, OMIM 613155.

Submission:

Neuberg Centre For Genomic Medicine, NCGM
Classification: Uncertain significance for Muscular dystrophy-dystroglycanopathy (congenital with impaired intellectual development), type B, 1. Review status: criteria provided, single submitter. Criteria: ACMG Guidelines, 2015. Collection method: clinical testing. Allele origin: germline. Affected: yes.
Comment: The missense variant p.G92R in POMT1 (NM_007171.4) has not been reported previously as a pathogenic variant nor as a benign variant, to our knowledge. The p.G92R variant is novel (not in any individuals) in gnomAD Exomes and is novel (not in any individuals) in 1000 Genomes. The p.G92R missense variant is predicted to be damaging by both SIFT and PolyPhen2. The glycine residue at codon 92 of POMT1 is conserved in all mammalian species. The nucleotide c.274 in POMT1 is predicted conserved by GERP++ and PhyloP across 100 vertebrates. For these reasons, this variant has been classified as Uncertain Significance.

NM_001077365.2(POMT1):c.274G>A (p.Gly92Arg)

Gene: POMT1 (protein O-mannosyltransferase 1; plus strand). Cytogenetic location: 9q34.13.
Variant type: single nucleotide variant.
Coding change: c.274G>A on transcript NM_001077365.2 (MANE Select); coding-DNA position 274, G replaced by A.
Protein change: p.Gly92Arg; replaces glycine 92 with arginine.
Molecular consequence: missense variant. On other transcripts: 5 prime UTR variant (4), nonsense (1), non-coding transcript variant (10), intron variant (3).
Genome position (GRCh38, 1-based): chr9:131,506,447, G>A. VCF-style: chr9-131506447-G-A. GRCh37 (hg19) VCF-style: chr9-134381834-G-A.
Other names: c.112G>A, p.Gly38Arg (NM_001077366.2, NM_001353194.2, NM_001353197.2 and 3 more transcripts); c.274G>A, p.Gly92Arg (NM_001136113.2, NM_001353193.2, NM_001374690.1 and 1 more transcripts); c.-78G>A (NM_001136114.2, NM_001353195.2, NM_001353199.2); c.167G>A, p.Trp56Ter (NM_001353196.2); c.-36G>A (NM_001353200.2); c.-71-921G>A (NM_001374691.1, NM_001374692.1); c.-30+2107G>A (NM_001374695.1); short protein forms G38R, G92R, W56*.
Identifiers: ClinVar variation 1339026 (VCV001339026.2), dbSNP rs2131592403, ClinGen allele CA375305886.